The following is an entry in ClinVar:

NM_000094.4(COL7A1):c.4935+3G>A

Gene: COL7A1 (collagen type VII alpha 1 chain; minus strand). Cytogenetic location: 3p21.31.
Variant type: single nucleotide variant.
Coding change: c.4935+3G>A on transcript NM_000094.4 (MANE Select); 3 bases into the intron after coding-DNA position 4935, G replaced by A.
Molecular consequence: intron variant.
Genome position (GRCh38, 1-based): chr3:48,581,119, C>T on the plus strand (G>A on the coding strand, the complement: COL7A1 is on the minus strand). VCF-style: chr3-48581119-C-T. GRCh37 (hg19) VCF-style: chr3-48618552-C-T.
Identifiers: ClinVar variation 4697552 (VCV004697552.1).

ClinVar aggregate classification (germline): Uncertain significance (1 of 4 stars; one submission).

gnomAD v4.1: 5 of 1,613,984 alleles (0.00031%); highest among the groups gnomAD compares: Non-Finnish European, 0.00042%; no homozygotes.

Submission:

Labcorp Genetics (formerly Invitae), Labcorp
Classification: Uncertain significance. Last evaluated: 2025-07-29. Review status: criteria provided, single submitter. Criteria: Invitae Variant Classification Sherloc (09022015). Collection method: clinical testing. Allele origin: germline.
Comment: This sequence change falls in intron 52 of the COL7A1 gene. It does not directly change the encoded amino acid sequence of the COL7A1 protein. It affects a nucleotide within the consensus splice site. This variant is not present in population databases (gnomAD no frequency). This variant has not been reported in the literature in individuals affected with COL7A1-related conditions. Variants that disrupt the consensus splice site are a relatively common cause of aberrant splicing (PMID: 17576681, 9536098). Algorithms developed to predict the effect of sequence changes on RNA splicing suggest that this variant is not likely to affect RNA splicing. In summary, the available evidence is currently insufficient to determine the role of this variant in disease. Therefore, it has been classified as a Variant of Uncertain Significance.

Literature cited by the submitters: PubMed 17576681; PubMed 9536098.